The following is an entry in ClinVar:

ClinVar aggregate classification (germline): Uncertain significance (1 of 4 stars; one submission).

Submission:

Ambry Genetics
Classification: Uncertain significance. Last evaluated: 2025-11-04. Review status: criteria provided, single submitter. Criteria: Ambry Variant Classification Scheme 2023. Collection method: clinical testing. Allele origin: germline.
Comment: The p.F302C variant (also known as c.905T>G), located in coding exon 4 of the PALLD gene, results from a T to G substitution at nucleotide position 905. The phenylalanine at codon 302 is replaced by cysteine, an amino acid with highly dissimilar properties. This amino acid position is conserved. In addition, this alteration is predicted to be deleterious by in silico analysis. Based on the available evidence, the clinical significance of this variant remains unclear.

NM_001166108.2(PALLD):c.2417T>G (p.Phe806Cys)

Genes: CBR4 (carbonyl reductase 4; minus strand), PALLD (palladin, cytoskeletal associated protein; plus strand). Cytogenetic location: 4q32.3.
Variant type: single nucleotide variant.
Coding change: c.2417T>G on transcript NM_001166108.2 (MANE Select); coding-DNA position 2417, T replaced by G.
Protein change: p.Phe806Cys; replaces phenylalanine 806 with cysteine.
Molecular consequence: missense variant.
Genome position (GRCh38, 1-based): chr4:168,898,659, T>G. VCF-style: chr4-168898659-T-G. GRCh37 (hg19) VCF-style: chr4-169819810-T-G.
Other names: c.1220T>G, p.Phe407Cys (NM_001166109.2); c.905T>G, p.Phe302Cys (NM_001166110.2); c.245T>G, p.Phe82Cys (NM_001367567.1, NM_001367569.1); c.296T>G, p.Phe99Cys (NM_001367568.1, NM_001367570.1); c.2366T>G, p.Phe789Cys (NM_016081.4); short protein forms F806C, F82C, F789C, F302C, F99C, F407C.
Identifiers: ClinVar variation 4564170 (VCV004564170.1).